The following is an entry in ClinVar:

ClinVar aggregate classification (germline): Uncertain significance (1 of 4 stars; one submission).

Conditions:
Intellectual developmental disorder, autosomal dominant 1. Also called: MBD5 Haploinsufficiency; Intellectual disability, autosomal dominant 1. Identifiers: Orphanet 228402, MedGen C1969562, MONDO:0007974, OMIM 156200.

Submission:

Labcorp Genetics (formerly Invitae), Labcorp
Classification: Uncertain significance for Intellectual developmental disorder, autosomal dominant 1. Last evaluated: 2023-03-26. Review status: criteria provided, single submitter. Criteria: Invitae Variant Classification Sherloc (09022015). Collection method: clinical testing. Allele origin: germline.
Comment: In summary, the available evidence is currently insufficient to determine the role of this variant in disease. Therefore, it has been classified as a Variant of Uncertain Significance. Experimental studies and prediction algorithms are not available or were not evaluated, and the functional significance of this variant is currently unknown. This variant has not been reported in the literature in individuals affected with MBD5-related conditions. This variant is not present in population databases (gnomAD no frequency). This sequence change replaces aspartic acid, which is acidic and polar, with asparagine, which is neutral and polar, at codon 950 of the MBD5 protein (p.Asp950Asn).

NM_001378120.1(MBD5):c.3547G>A (p.Asp1183Asn)

Gene: MBD5 (methyl-CpG binding domain protein 5; plus strand). Cytogenetic location: 2q23.1.
Variant type: single nucleotide variant.
Coding change: c.3547G>A on transcript NM_001378120.1 (MANE Select); coding-DNA position 3547, G replaced by A.
Protein change: p.Asp1183Asn; replaces aspartic acid 1183 with asparagine.
Molecular consequence: missense variant.
Genome position (GRCh38, 1-based): chr2:148,485,744, G>A. VCF-style: chr2-148485744-G-A. GRCh37 (hg19) VCF-style: chr2-149243313-G-A.
Other names: c.2848G>A, p.Asp950Asn (NM_018328.5); short protein forms D950N, D1183N.
Identifiers: ClinVar variation 2788405 (VCV002788405.3), dbSNP rs956197906, ClinGen allele CA57594143.